The following is an entry in ClinVar:

ClinVar aggregate classification (germline): Uncertain significance (1 of 4 stars; one submission).

Conditions:
CHARGE syndrome (CHARGE). Also called: Hittner Hirsch Kreh syndrome; CHARGE ASSOCIATION--COLOBOMA, HEART ANOMALY, CHOANAL ATRESIA, RETARDATION, GENITAL AND EAR ANOMALIES; Coloboma, heart anomaly, choanal atresia, retardation, genital and ear anomalies; CHARGE association; Hall-Hittner syndrome. Identifiers: Orphanet 138, MedGen C0265354, MONDO:0008965.

Submission:

Labcorp Genetics (formerly Invitae), Labcorp
Classification: Uncertain significance for CHARGE syndrome. Last evaluated: 2025-12-02. Review status: criteria provided, single submitter. Criteria: Invitae Variant Classification Sherloc (09022015). Collection method: clinical testing. Allele origin: germline.
Comment: This sequence change replaces alanine, which is neutral and non-polar, with threonine, which is neutral and polar, at codon 1887 of the CHD7 protein (p.Ala1887Thr). This variant is not present in population databases (gnomAD no frequency). This variant has not been reported in the literature in individuals affected with CHD7-related conditions. Invitae Evidence Modeling of protein sequence and biophysical properties (such as structural, functional, and spatial information, amino acid conservation, physicochemical variation, residue mobility, and thermodynamic stability) indicates that this missense variant is not expected to disrupt CHD7 protein function with a negative predictive value of 95%. In summary, the available evidence is currently insufficient to determine the role of this variant in disease. Therefore, it has been classified as a Variant of Uncertain Significance.

NM_017780.4(CHD7):c.5659G>A (p.Ala1887Thr)

Gene: CHD7 (chromodomain helicase DNA binding protein 7; plus strand). Cytogenetic location: 8q12.2.
Variant type: single nucleotide variant.
Coding change: c.5659G>A on transcript NM_017780.4 (MANE Select); coding-DNA position 5659, G replaced by A.
Protein change: p.Ala1887Thr; replaces alanine 1887 with threonine.
Molecular consequence: missense variant. On other transcripts: intron variant (1).
Genome position (GRCh38, 1-based): chr8:60,851,313, G>A. VCF-style: chr8-60851313-G-A. GRCh37 (hg19) VCF-style: chr8-61763872-G-A.
Other names: c.1717-10916G>A (NM_001316690.1); short protein forms A1887T.
Identifiers: ClinVar variation 4802751 (VCV004802751.1).
Genomic context (GRCh38, chr8:60,851,313, plus strand): 5'-GCTTTCAAGGAATTTGCAAATTCTCCTTCAGAGGATAAGGAAGAATCCATGGAAATACAT[G>A]CCACAGGTAAGGTCCCAGAAAAGCTTGTGTAGCCGAGCAGACGTGCACTGAGCAGTCATT-3'
Protein context (NP_060250.2, residues 1877-1897): EDKEESMEIH[Ala1887Thr]TGKHSESNAE